The following is an entry in ClinVar:

NM_017755.6(NSUN2):c.622+7A>T

Gene: NSUN2 (NOP2/Sun RNA methyltransferase 2; minus strand). Cytogenetic location: 5p15.31.
Variant type: single nucleotide variant.
Coding change: c.622+7A>T on transcript NM_017755.6 (MANE Select); 7 bases into the intron after coding-DNA position 622, A replaced by T.
Molecular consequence: intron variant.
Genome position (GRCh38, 1-based): chr5:6,622,009, T>A on the plus strand (A>T on the coding strand, the complement: NSUN2 is on the minus strand). VCF-style: chr5-6622009-T-A. GRCh37 (hg19) VCF-style: chr5-6622122-T-A.
Other names: c.517+7A>T (NM_001193455.2).
Identifiers: ClinVar variation 129844 (VCV000129844.20), dbSNP rs16877704, ClinGen allele CA154174.

ClinVar aggregate classification (germline): Benign. Review status: criteria provided, multiple submitters, no conflicts (2 of 4 stars). 6 submissions from 6 submitters: Benign (5). 1 of the submissions does not count toward it. Last evaluated 2026-02-03.

Conditions:
Intellectual developmental disorder, autosomal recessive 5. Also called: Intellectual disability, autosomal recessive 5. Identifiers: Orphanet 88616, MedGen C1970199, MONDO:0012613, OMIM 611091.

Allele frequency attached by ClinVar (database versions not stated): 1000 Genomes Project 0.01597; 1000 Genomes Project 30x 0.01640; gnomAD 0.03788; ExAC 0.03843; gnomAD exomes 0.03857; TOPMed 0.03858; ESP Exome Variant Server 0.04298.
gnomAD v4.1: 85,024 of 1,611,006 alleles (5.3%); highest among the groups gnomAD compares: Non-Finnish European, 6.3%; 2,670 homozygotes.

Submissions (6):

Labcorp Genetics (formerly Invitae), Labcorp
Classification: Benign. Last evaluated: 2026-02-03. Review status: criteria provided, single submitter. Criteria: Invitae Variant Classification Sherloc (09022015). Collection method: clinical testing. Allele origin: germline.

Blueprint Genetics
Classification: Benign. Last evaluated: 2024-11-26. Review status: criteria provided, single submitter. Criteria: ACMG Guidelines, 2015. Collection method: clinical testing. Allele origin: germline.

GeneDx
Classification: Benign. Last evaluated: 2018-10-21. Review status: criteria provided, single submitter. Criteria: GeneDx Variant Classification Process June 2021. Collection method: clinical testing. Allele origin: germline. Affected: yes.

Illumina Laboratory Services, Illumina
Classification: Benign for Intellectual developmental disorder, autosomal recessive 5. Last evaluated: 2018-01-12. Review status: criteria provided, single submitter. Criteria: ICSL Variant Classification Criteria 13 December 2019. Collection method: clinical testing. Allele origin: germline.
Comment: This variant was observed in the ICSL laboratory as part of a predisposition screen in an ostensibly healthy population. It had not been previously curated by ICSL or reported in the Human Gene Mutation Database (HGMD: prior to June 1st, 2018), and was therefore a candidate for classification through an automated scoring system. Utilizing variant allele frequency, disease prevalence and penetrance estimates, and inheritance mode, an automated score was calculated to assess if this variant is too frequent to cause the disease. Based on the score and internal cut-off values, a variant classified as benign is not then subjected to further curation. The score for this variant resulted in a classification of benign for this disease.

Breakthrough Genomics
Classification: Benign. Review status: criteria provided, single submitter. Criteria: ACMG Guidelines, 2015. Collection method: not provided. Allele origin: germline. Inheritance: Autosomal recessive inheritance. Affected: yes.

Genetic Services Laboratory, University of Chicago
Classification: Likely benign for AllHighlyPenetrant. Review status: no assertion criteria provided. Collection method: clinical testing. Allele origin: germline. Inheritance: Autosomal recessive inheritance. Not counted in ClinVar's aggregate classification.
Comment: Likely benign based on allele frequency in 1000 Genomes Project or ESP global frequency and its presence in a patient with a rare or unrelated disease phenotype. NOT Sanger confirmed.